The following is an entry in ClinVar:

NM_004208.4(AIFM1):c.1340T>G (p.Leu447Trp)

Genes: AIFM1 (apoptosis inducing factor mitochondria associated 1; minus strand), RAB33A (RAB33A, member RAS oncogene family; plus strand). Cytogenetic location: Xq26.1.
Variant type: single nucleotide variant.
Coding change: c.1340T>G on transcript NM_004208.4 (MANE Select); coding-DNA position 1340, T replaced by G.
Protein change: p.Leu447Trp; replaces leucine 447 with tryptophan.
Molecular consequence: missense variant. On other transcripts: 3 prime UTR variant (1), non-coding transcript variant (1).
Genome position (GRCh38, 1-based): chrX:130,133,421, A>C on the plus strand (T>G on the coding strand, the complement: AIFM1 is on the minus strand). VCF-style: chrX-130133421-A-C. GRCh37 (hg19) VCF-style: chrX-129267396-A-C.
Other names: NC_000023.10:g.129267396A>C; c.323T>G, p.Leu108Trp (NM_001130846.4); c.*568T>G (NM_001130847.4); c.1328T>G, p.Leu443Trp (NM_145812.3); short protein forms L443W, L447W, L108W.
Identifiers: ClinVar variation 4470747 (VCV004470747.3).

ClinVar aggregate classification (germline): Uncertain significance (1 of 4 stars; one submission).

Conditions:
Charcot-Marie-Tooth disease X-linked recessive 4 (CMTX4). Also called: CHARCOT-MARIE-TOOTH DISEASE WITH DEAFNESS AND MENTAL RETARDATION; Cowchock syndrome; CHARCOT-MARIE-TOOTH DISEASE, X-LINKED RECESSIVE, 4, WITH OR WITHOUT CEREBELLAR ATAXIA. Identifiers: Orphanet 101078, MedGen C0795910, MONDO:0010689, OMIM 310490.
Deafness, X-linked 5 (DFNX5). Also called: AUDITORY NEUROPATHY, X-LINKED, 1, WITH PERIPHERAL SENSORY NEUROPATHY; DEAFNESS, X-LINKED 5, WITH PERIPHERAL NEUROPATHY. Identifiers: Orphanet 139583, MedGen C1845095, OMIM 300614.
Severe X-linked mitochondrial encephalomyopathy. Also called: ENCEPHALOMYOPATHY, MITOCHONDRIAL, X-LINKED. Identifiers: Orphanet 238329, MedGen C3151753, MONDO:0010437, OMIM 300816.
Spondyloepimetaphyseal dysplasia, Bieganski type. Also called: Leukoencephalopathy with metaphyseal chondrodysplasia; Spondyloepimetaphyseal dysplasia, X-linked, with hypomyelinating leukodystrophy; SEMD X-linked with mental deterioration. Identifiers: Orphanet 168448, Orphanet 83629, MedGen C1846148, MONDO:0010275, OMIM 300232.

Submissions (2):

Juno Genomics, Hangzhou Juno Genomics, Inc
Classification: Uncertain significance for Severe X-linked mitochondrial encephalomyopathy; Charcot-Marie-Tooth disease X-linked recessive 4; Deafness, X-linked 5; Spondyloepimetaphyseal dysplasia, Bieganski type. Review status: criteria provided, single submitter. Criteria: ACMG Guidelines, 2015. Collection method: clinical testing. Allele origin: germline.
Comment: Absent from controls (or at extremely low frequency if recessive) in Genome Aggregation Database.

Dr. Peter K. Rogan Lab, Western University
No classification provided (evidence only). Condition: Thyroid cancer, nonmedullary, 1. Review status: no classification provided. Collection method: in vitro. Allele origin: not applicable. Functional consequence: retained intron. Not counted in ClinVar's aggregate classification.